The following is an entry in ClinVar:

NM_000342.4(SLC4A1):c.1162C>T (p.Arg388Cys)

Gene: SLC4A1 (solute carrier family 4 member 1 (Diego blood group); minus strand). Cytogenetic location: 17q21.31.
Variant type: single nucleotide variant.
Coding change: c.1162C>T on transcript NM_000342.4 (MANE Select); coding-DNA position 1162, C replaced by T.
Protein change: p.Arg388Cys; replaces arginine 388 with cysteine.
Molecular consequence: missense variant.
Genome position (GRCh38, 1-based): chr17:44,258,106, G>A on the plus strand (C>T on the coding strand, the complement: SLC4A1 is on the minus strand). VCF-style: chr17-44258106-G-A. GRCh37 (hg19) VCF-style: chr17-42335474-G-A.
Other names: c.1162C>T (NM_000342.3); short protein forms R388C.
Identifiers: ClinVar variation 811881 (VCV000811881.39), dbSNP rs765891978, ClinGen allele CA8600359.

ClinVar aggregate classification (germline): Uncertain significance. Review status: criteria provided, multiple submitters, no conflicts (2 of 4 stars). 6 submissions from 6 submitters: Uncertain significance (6). Last evaluated 2025-12-18.

Conditions:
SLC4A1-related disorder. Also called: SLC4A1-related disorders; SLC4A1-related condition.

Allele frequency attached by ClinVar (database versions not stated): gnomAD 0.00003; TOPMed 0.00003.
gnomAD v4.1: 69 of 1,613,972 alleles (0.0043%); highest among the groups gnomAD compares: Non-Finnish European, 0.0056%; no homozygotes.

Submissions (6):

PreventionGenetics, part of Exact Sciences
Classification: Uncertain significance for SLC4A1-related condition. Last evaluated: 2025-12-18. Review status: criteria provided, single submitter. Criteria: ACMG Guidelines, 2015. Collection method: clinical testing. Allele origin: germline.
Comment: The SLC4A1 c.1162C>T variant is predicted to result in the amino acid substitution p.Arg388Cys. In addition, this variant has been reported in an individual with spherocytosis (Table 2. van Vuren et al. 2019. PubMed ID: 31723846). This variant is reported in 0.0070% of alleles in individuals of European (Non-Finnish) descent in gnomAD. At this time, the clinical significance of this variant is uncertain due to the absence of conclusive functional and genetic evidence.

Labcorp Genetics (formerly Invitae), Labcorp
Classification: Uncertain significance. Last evaluated: 2024-11-11. Review status: criteria provided, single submitter. Criteria: Invitae Variant Classification Sherloc (09022015). Collection method: clinical testing. Allele origin: germline.
Comment: This sequence change replaces arginine, which is basic and polar, with cysteine, which is neutral and slightly polar, at codon 388 of the SLC4A1 protein (p.Arg388Cys). This variant is present in population databases (rs765891978, gnomAD 0.006%). This missense change has been observed in individual(s) with distal renal tubular acidosis (PMID: 30554219). ClinVar contains an entry for this variant (Variation ID: 811881). Invitae Evidence Modeling of protein sequence and biophysical properties (such as structural, functional, and spatial information, amino acid conservation, physicochemical variation, residue mobility, and thermodynamic stability) indicates that this missense variant is expected to disrupt SLC4A1 protein function with a positive predictive value of 80%. Experimental studies have shown that this missense change affects SLC4A1 function (PMID: 30554219). In summary, the available evidence is currently insufficient to determine the role of this variant in disease. Therefore, it has been classified as a Variant of Uncertain Significance.

Revvity Omics, Revvity
Classification: Uncertain significance. Last evaluated: 2024-05-31. Review status: criteria provided, single submitter. Criteria: ACMG Guidelines, 2015. Collection method: clinical testing. Allele origin: germline.

CeGaT Center for Human Genetics Tuebingen
Classification: Uncertain significance. Last evaluated: 2023-03-01. Review status: criteria provided, single submitter. Criteria: CeGaT Center For Human Genetics Tuebingen Variant Classification Criteria Version 2. Collection method: clinical testing. Allele origin: germline. Affected: yes. Observed: 1 variant allele.

ARUP Laboratories, Molecular Genetics and Genomics, ARUP Laboratories
Classification: Uncertain significance. Last evaluated: 2019-02-06. Review status: criteria provided, single submitter. Criteria: ARUP Molecular Germline Variant Investigation Process. Collection method: clinical testing. Allele origin: germline.

Breakthrough Genomics
Classification: Uncertain significance. Review status: criteria provided, single submitter. Criteria: ACMG Guidelines, 2015. Collection method: not provided. Allele origin: germline. Inheritance: Autosomal recessive inheritance. Affected: yes.

Literature cited by the submitters: PubMed 30554219 (cited by Labcorp Genetics (formerly Invitae), Labcorp).